The following is an entry in ClinVar:

ClinVar aggregate classification (germline): Uncertain significance (1 of 4 stars; one submission).

gnomAD v4.1: 26 of 1,613,346 alleles (0.0016%); highest among the groups gnomAD compares: Middle Eastern, 0.033%; no homozygotes.

Submission:

Labcorp Genetics (formerly Invitae), Labcorp
Classification: Uncertain significance. Last evaluated: 2025-08-30. Review status: criteria provided, single submitter. Criteria: Invitae Variant Classification Sherloc (09022015). Collection method: clinical testing. Allele origin: germline.
Comment: This sequence change replaces alanine, which is neutral and non-polar, with valine, which is neutral and non-polar, at codon 46 of the P2RY12 protein (p.Ala46Val). This variant is present in population databases (no rsID available, gnomAD 0.006%). This variant has not been reported in the literature in individuals affected with P2RY12-related conditions. An algorithm developed to predict the effect of missense changes on protein structure and function (PolyPhen-2) suggests that this variant is likely to be disruptive. In summary, the available evidence is currently insufficient to determine the role of this variant in disease. Therefore, it has been classified as a Variant of Uncertain Significance.

NM_022788.5(P2RY12):c.137C>T (p.Ala46Val)

Genes: MED12L (mediator complex subunit 12L; plus strand), P2RY12 (purinergic receptor P2Y12; minus strand). Cytogenetic location: 3q25.1.
Variant type: single nucleotide variant.
Coding change: c.137C>T on transcript NM_022788.5 (MANE Select); coding-DNA position 137, C replaced by T.
Protein change: p.Ala46Val; replaces alanine 46 with valine.
Molecular consequence: missense variant. On other transcripts: intron variant (2).
Genome position (GRCh38, 1-based): chr3:151,338,709, G>A on the plus strand (C>T on the coding strand, the complement: P2RY12 is on the minus strand). VCF-style: chr3-151338709-G-A. GRCh37 (hg19) VCF-style: chr3-151056497-G-A.
Other names: c.137C>T, p.Ala46Val (NM_176876.3); c.2251-11350G>A (NM_001393769.1); c.2146-11350G>A (NM_053002.6); short protein forms A46V.
Identifiers: ClinVar variation 4746576 (VCV004746576.1).
Genomic context (GRCh38, chr3:151,338,709, plus strand): 5'-GTGTTCTTAAGAAAAATAATAAAGTTTGATTTACTCCGGATTTGAAAGAAAATCCTCATC[G>A]CCAGGCCATTTGTGATAAGTCCAACAAAAAACAGGACAGTGTAGAGCAGTGGGAAGAGGA-3'
Protein context (NP_073625.1, residues 36-56): FFVGLITNGL[Ala46Val]MRIFFQIRSK